The following is an entry in ClinVar:

NM_022579.3(CSHL1):c.306+1G>A

Gene: CSHL1 (chorionic somatomammotropin hormone like 1; minus strand). Cytogenetic location: 17q23.3.
Variant type: single nucleotide variant.
Coding change: c.306+1G>A on transcript NM_022579.3 (MANE Select); the canonical splice donor site of the intron after coding-DNA position 306, G replaced by A.
Molecular consequence: splice donor variant.
Genome position (GRCh38, 1-based): chr17:63,910,419, C>T on the plus strand (G>A on the coding strand, the complement: CSHL1 is on the minus strand). VCF-style: chr17-63910419-C-T. GRCh37 (hg19) VCF-style: chr17-61987779-C-T.
Other names: c.57+1G>A (NM_022580.3); c.126+1G>A (NM_001321067.2); c.24+1G>A (NM_001318.4); c.189+1G>A (NM_001321069.2); c.120+1G>A (NM_001321068.2); c.237+1G>A (NM_022581.3).
Identifiers: ClinVar variation 2648084 (VCV002648084.24), dbSNP rs116704373, ClinGen allele CA8707839.

ClinVar aggregate classification (germline): Likely benign (1 of 4 stars; one submission).

Allele frequency attached by ClinVar (database versions not stated): gnomAD exomes 0.00027; gnomAD 0.00250; TOPMed 0.00278; 1000 Genomes Project 0.00300; 1000 Genomes Project 30x 0.00359; ESP Exome Variant Server 0.00369.

Submission:

CeGaT Center for Human Genetics Tuebingen
Classification: Likely benign. Last evaluated: 2022-12-01. Review status: criteria provided, single submitter. Criteria: CeGaT Center For Human Genetics Tuebingen Variant Classification Criteria Version 2. Collection method: clinical testing. Allele origin: germline. Affected: yes. Observed: 1 variant allele.
Comment: CSHL1: BS2